The following is an entry in ClinVar:

ClinVar aggregate classification (germline): Likely pathogenic (1 of 4 stars; one submission).

Submission:

Labcorp Genetics (formerly Invitae), Labcorp
Classification: Likely pathogenic. Last evaluated: 2023-06-13. Review status: criteria provided, single submitter. Criteria: Invitae Variant Classification Sherloc (09022015). Collection method: clinical testing. Allele origin: germline.
Comment: This variant disrupts the triple helix domain of COL4A5. Glycine residues within the Gly-Xaa-Yaa repeats of the triple helix domain are required for the structure and stability of fibrillar collagens (PMID: 7695699, 8218237, 19344236). In COL4A5, missense variants at these glycine residues are significantly enriched in individuals with disease (PMID: 23720012, 27627812) compared to the general population (ExAC). In summary, the currently available evidence indicates that the variant is pathogenic, but additional data are needed to prove that conclusively. Therefore, this variant has been classified as Likely Pathogenic. This variant disrupts the p.Gly766 amino acid residue in COL4A5. Other variant(s) that disrupt this residue have been observed in individuals with COL4A5-related conditions (PMID: 11462238, 26809805), which suggests that this may be a clinically significant amino acid residue. Advanced modeling of protein sequence and biophysical properties (such as structural, functional, and spatial information, amino acid conservation, physicochemical variation, residue mobility, and thermodynamic stability) performed at Invitae indicates that this missense variant is expected to disrupt COL4A5 protein function. This variant has not been reported in the literature in individuals affected with COL4A5-related conditions. This variant is not present in population databases (gnomAD no frequency). This sequence change replaces glycine, which is neutral and non-polar, with arginine, which is basic and polar, at codon 766 of the COL4A5 protein (p.Gly766Arg).

Literature cited by the submitters: PubMed 7695699; PubMed 8218237; PubMed 19344236; PubMed 23720012; PubMed 27627812; PubMed 11462238; PubMed 26809805.

NM_033380.3(COL4A5):c.2296G>C (p.Gly766Arg)

Gene: COL4A5 (collagen type IV alpha 5 chain; plus strand). Cytogenetic location: Xq22.3.
Variant type: single nucleotide variant.
Coding change: c.2296G>C on transcript NM_033380.3 (MANE Select); coding-DNA position 2296, G replaced by C.
Protein change: p.Gly766Arg; replaces glycine 766 with arginine.
Molecular consequence: missense variant.
Genome position (GRCh38, 1-based): chrX:108,606,793, G>C. VCF-style: chrX-108606793-G-C. GRCh37 (hg19) VCF-style: chrX-107850023-G-C.
Other names: c.2296G>C, p.Gly766Arg (NM_000495.5); short protein forms G766R.
Identifiers: ClinVar variation 2864665 (VCV002864665.3), dbSNP rs2524346601, ClinGen allele CA413848863.